The following is an entry in ClinVar:

NM_000179.3(MSH6):c.153C>G (p.Ser51Arg)

Gene: MSH6 (mutS homolog 6; plus strand). Cytogenetic location: 2p16.3.
Variant type: single nucleotide variant.
Coding change: c.153C>G on transcript NM_000179.3 (MANE Select); coding-DNA position 153, C replaced by G.
Protein change: p.Ser51Arg; replaces serine 51 with arginine.
Molecular consequence: missense variant. On other transcripts: 5 prime UTR variant (1).
Genome position (GRCh38, 1-based): chr2:47,783,386, C>G. VCF-style: chr2-47783386-C-G. GRCh37 (hg19) VCF-style: chr2-48010525-C-G.
Other names: c.153C>G, p.Ser51Arg (NM_001281492.2); c.-584C>G (NM_001281493.2); short protein forms S51R.
Identifiers: ClinVar variation 455145 (VCV000455145.15), dbSNP rs762061869, ClinGen allele CA067823.

ClinVar aggregate classification (germline): Conflicting classifications of pathogenicity. Review status: criteria provided, conflicting classifications (1 of 4 stars). 5 submissions from 5 submitters: Uncertain significance (4); Likely benign (1). Last evaluated 2025-11-19.

Conditions:
Hereditary nonpolyposis colorectal neoplasms. Identifiers: MedGen C0009405, MeSH D003123.
Hereditary cancer-predisposing syndrome. Also called: Hereditary Cancer Syndrome; Hereditary neoplastic syndrome; Neoplastic Syndromes, Hereditary; Tumor predisposition. Identifiers: Orphanet 140162, MedGen C0027672, MeSH D009386, MONDO:0015356.
Lynch syndrome. Identifiers: Orphanet 144, MedGen C4552100, MONDO:0005835. Disease mechanism: loss of function.
Endometrial carcinoma. Also called: Endometrial carcinoma, somatic. Identifiers: MedGen C0476089, MONDO:0002447, OMIM 608089, HP:0012114.

Allele frequency attached by ClinVar (database versions not stated): gnomAD exomes below 0.00001 and 0.00001; ExAC 0.00002.
gnomAD v4.1: 1 of 1,584,704 alleles (0.000063%); highest among the groups gnomAD compares: South Asian, 0.0011%; no homozygotes.

Submissions (5):

Ambry Genetics
Classification: Uncertain significance for Hereditary cancer-predisposing syndrome. Last evaluated: 2025-11-19. Review status: criteria provided, single submitter. Criteria: Ambry Variant Classification Scheme 2023. Collection method: clinical testing. Allele origin: germline.
Comment: The p.S51R variant (also known as c.153C>G), located in coding exon 1 of the MSH6 gene, results from a C to G substitution at nucleotide position 153. The serine at codon 51 is replaced by arginine, an amino acid with dissimilar properties. This amino acid position is not well conserved in available vertebrate species. In addition, this alteration is predicted to be tolerated by in silico analysis. Since supporting evidence is limited at this time, the clinical significance of this alteration remains unclear.

Labcorp Genetics (formerly Invitae), Labcorp
Classification: Likely benign for Hereditary nonpolyposis colorectal neoplasms. Last evaluated: 2023-11-27. Review status: criteria provided, single submitter. Criteria: Invitae Variant Classification Sherloc (09022015). Collection method: clinical testing. Allele origin: germline.

Baylor Genetics
Classification: Uncertain significance for Endometrial carcinoma. Last evaluated: 2023-11-26. Review status: criteria provided, single submitter. Criteria: ACMG Guidelines, 2015. Collection method: clinical testing. Allele origin: unknown.

All of Us Research Program, National Institutes of Health
Classification: Uncertain significance for Lynch syndrome. Last evaluated: 2023-11-20. Review status: criteria provided, single submitter. Criteria: ACMG Guidelines, 2015. Collection method: clinical testing. Allele origin: germline. Inheritance: Autosomal dominant inheritance. Observed: 1 variant allele, 1 heterozygote.
Comment: This missense variant replaces serine with arginine at codon 51 of the MSH6 protein. Computational prediction suggests that this variant may not impact protein structure and function (internally defined REVEL score threshold <= 0.5, PMID: 27666373). To our knowledge, functional studies have not been reported for this variant. This variant has not been reported in individuals affected with MSH6-related disorders in the literature. This variant has been identified in 1/190390 chromosomes in the general population by the Genome Aggregation Database (gnomAD). The available evidence is insufficient to determine the role of this variant in disease conclusively. Therefore, this variant is classified as a Variant of Uncertain Significance.

This study involves interpretation of variants in research participants for the purpose of population health screening. Participant phenotype was not available at the time of variant classification. Additional details can be found in publication PMID: 35346344, PMCID: PMC8962531

GeneDx
Classification: Uncertain significance. Last evaluated: 2022-10-11. Review status: criteria provided, single submitter. Criteria: GeneDx Variant Classification Process June 2021. Collection method: clinical testing. Allele origin: germline. Affected: yes.
Comment: Not observed at significant frequency in large population cohorts (gnomAD); In silico analysis supports that this missense variant does not alter protein structure/function; Has not been previously published as pathogenic or benign to our knowledge